The following is an entry in ClinVar:

ClinVar aggregate classification (germline): Likely pathogenic (1 of 4 stars; one submission).

Conditions:
Propionic acidemia (PROP). Also called: KETOTIC HYPERGLYCINEMIA; GLYCINEMIA, KETOTIC; HYPERGLYCINEMIA WITH KETOACIDOSIS AND LEUKOPENIA. Identifiers: Orphanet 35, MedGen C0268579, MONDO:0011628, OMIM 606054, HP:0003571.

Submission:

Labcorp Genetics (formerly Invitae), Labcorp
Classification: Likely pathogenic for Propionic acidemia. Last evaluated: 2020-04-28. Review status: criteria provided, single submitter. Criteria: Invitae Variant Classification Sherloc (09022015). Collection method: clinical testing. Allele origin: germline.
Comment: This variant results in a copy number gain of the genomic region encompassing exons 13-16 of the PCCA gene. While the exact position of this variant cannot be determined from this data, sub-genic copy number gains are generally in tandem (PMID: 25640679) and may result in an absent or disrupted protein product. This variant has not been reported in the literature in individuals with PCCA-related conditions. Loss-of-function variants in PCCA are known to be pathogenic (PMID: 15464417). In summary, the currently available evidence indicates that the variant is pathogenic, but additional data are needed to prove that conclusively. Therefore, this variant has been classified as Likely Pathogenic.

Literature cited by the submitters: PubMed 25640679; PubMed 15464417.

NC_000013.10:g.(?_100953694)_(100962182_?)dup

Gene: PCCA (propionyl-CoA carboxylase subunit alpha; plus strand). Cytogenetic location: 13q32.3.
Variant type: Duplication.
Identifiers: ClinVar variation 1067453 (VCV001067453.1).